The following is an entry in ClinVar:

NM_002661.5(PLCG2):c.2438C>A (p.Thr813Asn)

Gene: PLCG2 (phospholipase C gamma 2; plus strand). Cytogenetic location: 16q23.3.
Variant type: single nucleotide variant.
Coding change: c.2438C>A on transcript NM_002661.5 (MANE Select); coding-DNA position 2438, C replaced by A.
Protein change: p.Thr813Asn; replaces threonine 813 with asparagine.
Molecular consequence: missense variant.
Genome position (GRCh38, 1-based): chr16:81,927,102, C>A. VCF-style: chr16-81927102-C-A. GRCh37 (hg19) VCF-style: chr16-81960707-C-A.
Other names: short protein forms T813N.
Identifiers: ClinVar variation 1375374 (VCV001375374.6), dbSNP rs2143701586, ClinGen allele CA396902679.

ClinVar aggregate classification (germline): Uncertain significance (1 of 4 stars; one submission).

Conditions:
Familial cold autoinflammatory syndrome 3 (FCAS3). Also called: ANTIBODY DEFICIENCY AND IMMUNE DYSREGULATION, PLCG2-ASSOCIATED; FAMILIAL ATYPICAL COLD URTICARIA. Identifiers: Orphanet 300359, MedGen C3280914, MONDO:0013766, OMIM 614468.

Allele frequency attached by ClinVar (database versions not stated): gnomAD exomes below 0.00001.
gnomAD v4.1: 1 of 1,613,318 alleles (0.000062%); highest among the groups gnomAD compares: Non-Finnish European, 0.000085%; no homozygotes.

Submission:

Labcorp Genetics (formerly Invitae), Labcorp
Classification: Uncertain significance for Familial cold autoinflammatory syndrome 3. Last evaluated: 2023-10-17. Review status: criteria provided, single submitter. Criteria: Invitae Variant Classification Sherloc (09022015). Collection method: clinical testing. Allele origin: germline.
Comment: This sequence change replaces threonine, which is neutral and polar, with asparagine, which is neutral and polar, at codon 813 of the PLCG2 protein (p.Thr813Asn). This variant is not present in population databases (gnomAD no frequency). This variant has not been reported in the literature in individuals affected with PLCG2-related conditions. ClinVar contains an entry for this variant (Variation ID: 1375374). An algorithm developed to predict the effect of missense changes on protein structure and function (PolyPhen-2) suggests that this variant is likely to be tolerated. In summary, the available evidence is currently insufficient to determine the role of this variant in disease. Therefore, it has been classified as a Variant of Uncertain Significance.